The following is an entry in ClinVar:

ClinVar aggregate classification (germline): Uncertain significance (1 of 4 stars; one submission).

Allele frequency attached by ClinVar (database versions not stated): gnomAD exomes 0.00001; ExAC 0.00003; gnomAD 0.00003; TOPMed 0.00003; 1000 Genomes Project 0.00020; 1000 Genomes Project 30x 0.00031.
gnomAD v4.1: 25 of 1,613,658 alleles (0.0015%); highest among the groups gnomAD compares: Admixed American, 0.038%; no homozygotes.

Submission:

Labcorp Genetics (formerly Invitae), Labcorp
Classification: Uncertain significance. Last evaluated: 2023-08-10. Review status: criteria provided, single submitter. Criteria: Invitae Variant Classification Sherloc (09022015). Collection method: clinical testing. Allele origin: germline.
Comment: In summary, the available evidence is currently insufficient to determine the role of this variant in disease. Therefore, it has been classified as a Variant of Uncertain Significance. Variants that disrupt the consensus splice site are a relatively common cause of aberrant splicing (PMID: 17576681, 9536098). Algorithms developed to predict the effect of sequence changes on RNA splicing suggest that this variant is not likely to affect RNA splicing. ClinVar contains an entry for this variant (Variation ID: 2164207). This variant has not been reported in the literature in individuals affected with BMPER-related conditions. This variant is present in population databases (rs148948560, gnomAD 0.05%). This sequence change falls in intron 10 of the BMPER gene. It does not directly change the encoded amino acid sequence of the BMPER protein. It affects a nucleotide within the consensus splice site.

Literature cited by the submitters: PubMed 17576681; PubMed 9536098.

NM_001365308.1(BMPER):c.928-3T>C

Gene: BMPER (BMP binding endothelial regulator; plus strand). Cytogenetic location: 7p14.3.
Variant type: single nucleotide variant.
Coding change: c.928-3T>C on transcript NM_001365308.1 (MANE Select); 3 bases into the intron before coding-DNA position 928, T replaced by C.
Molecular consequence: intron variant.
Genome position (GRCh38, 1-based): chr7:34,058,056, T>C. VCF-style: chr7-34058056-T-C. GRCh37 (hg19) VCF-style: chr7-34097668-T-C.
Other names: c.928-3T>C (NM_133468.5).
Identifiers: ClinVar variation 2164207 (VCV002164207.2), dbSNP rs148948560, ClinGen allele CA4215232.